The following is an entry in ClinVar:

ClinVar aggregate classification (germline): Likely benign (0 of 4 stars; one submission).

Conditions:
NUP133-related disorder. Also called: NUP133-related condition.

Allele frequency attached by ClinVar (database versions not stated): gnomAD 0.00001; TOPMed 0.00001.
gnomAD v4.1: 18 of 1,614,106 alleles (0.0011%); highest among the groups gnomAD compares: Admixed American, 0.0033%; no homozygotes.

Submission:

PreventionGenetics, part of Exact Sciences
Classification: Likely benign for NUP133-related condition. Last evaluated: 2022-12-21. Review status: no assertion criteria provided. Collection method: clinical testing. Allele origin: germline.
Comment: This variant is classified as likely benign based on ACMG/AMP sequence variant interpretation guidelines (Richards et al. 2015 PMID: 25741868, with internal and published modifications).

NM_018230.3(NUP133):c.1914G>A (p.Leu638=)

Gene: NUP133 (nucleoporin 133; minus strand). Cytogenetic location: 1q42.13.
Variant type: single nucleotide variant.
Coding change: c.1914G>A on transcript NM_018230.3 (MANE Select); coding-DNA position 1914, G replaced by A.
Protein change: p.Leu638=; no amino-acid change (leucine 638 retained).
Molecular consequence: synonymous variant.
Genome position (GRCh38, 1-based): chr1:229,470,742, C>T on the plus strand (G>A on the coding strand, the complement: NUP133 is on the minus strand). VCF-style: chr1-229470742-C-T. GRCh37 (hg19) VCF-style: chr1-229606489-C-T.
Identifiers: ClinVar variation 3033048 (VCV003033048.2), dbSNP rs947859119, ClinGen allele CA38792748.
Genomic context (GRCh38, chr1:229,470,742, plus strand): 5'-GGAGTGGTGGTTCTTGAGAACAATGGCGGCTGACAGCTTTTCGGCATGCTCACAGAGCAA[C>T]AGTCGAGTGGCCATCGGTGTCCCTCTAACTGGAAAACTGCCTAGACGTCCAAATAAGCCA-3'
Protein context (NP_060700.2, residues 628-648): PVRGTPMATR[Leu638=]LLCEHAEKLS